The following is an entry in ClinVar:

ClinVar aggregate classification (germline): Likely pathogenic (1 of 4 stars; one submission).

Conditions:
Inborn genetic diseases. Identifiers: MedGen C0950123, MeSH D030342.

Submission:

Ambry Genetics
Classification: Likely pathogenic for Inborn genetic diseases. Last evaluated: 2023-12-12. Review status: criteria provided, single submitter. Criteria: Ambry Variant Classification Scheme 2023. Collection method: clinical testing. Allele origin: germline.
Comment: The c.302T>C (p.L101P) alteration is located in exon 4 (coding exon 2) of the SATB2 gene. This alteration results from a T to C substitution at nucleotide position 302, causing the leucine (L) at amino acid position 101 to be replaced by a proline (P). This variant was not reported in population-based cohorts in the Genome Aggregation Database (gnomAD). This amino acid position is highly conserved in available vertebrate species. This missense alteration is located in a region that has a low rate of benign missense variation (Lek, 2016; Firth, 2009). This alteration is predicted to be deleterious by in silico analysis. Based on the available evidence, this alteration is classified as likely pathogenic.

NM_001172509.2(SATB2):c.302T>C (p.Leu101Pro)

Gene: SATB2 (SATB homeobox 2; minus strand). Cytogenetic location: 2q33.1.
Variant type: single nucleotide variant.
Coding change: c.302T>C on transcript NM_001172509.2 (MANE Select); coding-DNA position 302, T replaced by C.
Protein change: p.Leu101Pro; replaces leucine 101 with proline.
Molecular consequence: missense variant. On other transcripts: non-coding transcript variant (1).
Genome position (GRCh38, 1-based): chr2:199,433,382, A>G on the plus strand (T>C on the coding strand, the complement: SATB2 is on the minus strand). VCF-style: chr2-199433382-A-G. GRCh37 (hg19) VCF-style: chr2-200298105-A-G.
Other names: c.302T>C, p.Leu101Pro (NM_001172517.1, NM_015265.4); short protein forms L101P.
Identifiers: ClinVar variation 3157933 (VCV003157933.1), dbSNP rs2469034035, ClinGen allele CA350386704.
Genomic context (GRCh38, chr2:199,433,382, plus strand): 5'-GGAGAGGCATTAATACCTTGGGCCTGGGCCGCAGAGCTGTGAGAATACCCCAGGGCCAGG[A>G]GCGCAGTCTCCACCAGCTGGCTAAAAAGCACATCTTTCCGCACCAGGACAAACTCGGCGT-3'
Protein context (NP_001165980.1, residues 91-111): VLFSQLVETA[Leu101Pro]LALGYSHSSA